The following is an entry in ClinVar:

NM_024675.4(PALB2):c.2872C>A (p.Gln958Lys)

Gene: PALB2 (partner and localizer of BRCA2; minus strand). Cytogenetic location: 16p12.2.
Variant type: single nucleotide variant.
Coding change: c.2872C>A on transcript NM_024675.4 (MANE Select); coding-DNA position 2872, C replaced by A.
Protein change: p.Gln958Lys; replaces glutamine 958 with lysine.
Molecular consequence: missense variant. On other transcripts: intron variant (1).
Genome position (GRCh38, 1-based): chr16:23,623,093, G>T on the plus strand (C>A on the coding strand, the complement: PALB2 is on the minus strand). VCF-style: chr16-23623093-G-T. GRCh37 (hg19) VCF-style: chr16-23634414-G-T.
Other names: c.2812C>A, p.Gln938Lys (NM_001407296.1); c.2800C>A, p.Gln934Lys (NM_001407297.1); c.2710C>A, p.Gln904Lys (NM_001407298.1, NM_001407302.1); c.2872C>A, p.Gln958Lys (NM_001407299.1, NM_001407301.1); c.1987C>A, p.Gln663Lys (NM_001407304.1, NM_001407305.1, NM_001407306.1 and 4 more transcripts); c.1825C>A, p.Gln609Lys (NM_001407307.1); c.1084C>A, p.Gln362Lys (NM_001407312.1, NM_001407313.1); c.406C>A, p.Gln136Lys (NM_001407314.1); and 1 more; short protein forms Q362K, Q958K, Q136K, Q904K, Q938K, Q609K, Q663K, Q934K.
Identifiers: ClinVar variation 4722326 (VCV004722326.1).
Genomic context (GRCh38, chr16:23,623,093, plus strand): 5'-CTAGCCTCCTCTTTGTCAGGCCAAGCACAGCTTTTATATTTCCAGACTTCAGTAGTACTT[G>T]CTTTTCACTTTCATCATCAGAGGAACAAAACAATGCCCTAAGCCAAATATAAGGAAAAAT-3'
Protein context (NP_078951.2, residues 948-968): FCSSDDESEK[Gln958Lys]VLLKSGNIKA

ClinVar aggregate classification (germline): Uncertain significance (1 of 4 stars; one submission).

Conditions:
Familial cancer of breast. Also called: hereditary breast carcinoma; BREAST CANCER, FAMILIAL; Hereditary breast cancer. Identifiers: Orphanet 227535, MedGen C0346153, MONDO:0016419, OMIM 114480. Disease mechanism: loss of function.

Submission:

Labcorp Genetics (formerly Invitae), Labcorp
Classification: Uncertain significance for Familial cancer of breast. Last evaluated: 2025-12-20. Review status: criteria provided, single submitter. Criteria: Invitae Variant Classification Sherloc (09022015). Collection method: clinical testing. Allele origin: germline.
Comment: This sequence change replaces glutamine, which is neutral and polar, with lysine, which is basic and polar, at codon 958 of the PALB2 protein (p.Gln958Lys). This variant is not present in population databases (gnomAD no frequency). This variant has not been reported in the literature in individuals affected with PALB2-related conditions. Invitae Evidence Modeling of protein sequence and biophysical properties (such as structural, functional, and spatial information, amino acid conservation, physicochemical variation, residue mobility, and thermodynamic stability) indicates that this missense variant is expected to disrupt PALB2 protein function with a positive predictive value of 80%. In summary, the available evidence is currently insufficient to determine the role of this variant in disease. Therefore, it has been classified as a Variant of Uncertain Significance.